The following is an entry in ClinVar:

NM_000038.6(APC):c.3949G>A (p.Glu1317Lys)

Gene: APC (APC regulator of Wnt signaling pathway; plus strand). Cytogenetic location: 5q22.2.
Variant type: single nucleotide variant.
Coding change: c.3949G>A on transcript NM_000038.6 (MANE Select); coding-DNA position 3949, G replaced by A.
Protein change: p.Glu1317Lys; replaces glutamic acid 1317 with lysine.
Molecular consequence: missense variant. On other transcripts: non-coding transcript variant (2).
Genome position (GRCh38, 1-based): chr5:112,839,543, G>A. VCF-style: chr5-112839543-G-A. GRCh37 (hg19) VCF-style: chr5-112175240-G-A.
Other names: c.3646G>A, p.Glu1216Lys (NM_001354903.2, NM_001407458.1, NM_001407459.1 and 1 more transcripts); c.3979G>A, p.Glu1327Lys (NM_001354897.2); c.3826G>A, p.Glu1276Lys (NM_001354900.2); c.3865G>A, p.Glu1289Lys (NM_001354899.2); c.3874G>A, p.Glu1292Lys (NM_001354898.2); c.3772G>A, p.Glu1258Lys (NM_001354901.2, NM_001407453.1); c.3676G>A, p.Glu1226Lys (NM_001354902.2); c.3949G>A, p.Glu1317Lys (NM_001127510.3, NM_001354895.2, NM_001407450.1); and 11 more; short protein forms E1234K, E1258K, E1276K, E1299K, E1157K, E1310K, E1335K, E1034K.
Identifiers: ClinVar variation 2700737 (VCV002700737.3), dbSNP rs1801166, ClinGen allele CA16029992.

ClinVar aggregate classification (germline): Uncertain significance (1 of 4 stars; one submission).

Conditions:
Familial adenomatous polyposis 1 (FAP1). Also called: FAMILIAL ADENOMATOUS POLYPOSIS 1, ATTENUATED; POLYPOSIS, ADENOMATOUS INTESTINAL. Identifiers: MedGen C2713442, MONDO:0021056, OMIM 175100. Disease mechanism: loss of function.

Submission:

Labcorp Genetics (formerly Invitae), Labcorp
Classification: Uncertain significance for Familial adenomatous polyposis 1. Last evaluated: 2025-10-09. Review status: criteria provided, single submitter. Criteria: Invitae Variant Classification Sherloc (09022015). Collection method: clinical testing. Allele origin: germline.
Comment: This sequence change replaces glutamic acid, which is acidic and polar, with lysine, which is basic and polar, at codon 1317 of the APC protein (p.Glu1317Lys). This variant is not present in population databases (gnomAD no frequency). This variant has not been reported in the literature in individuals affected with APC-related conditions. ClinVar contains an entry for this variant (Variation ID: 2700737). Invitae Evidence Modeling of protein sequence and biophysical properties (such as structural, functional, and spatial information, amino acid conservation, physicochemical variation, residue mobility, and thermodynamic stability) indicates that this missense variant is not expected to disrupt APC protein function with a negative predictive value of 95%. In summary, the available evidence is currently insufficient to determine the role of this variant in disease. Therefore, it has been classified as a Variant of Uncertain Significance.